The following is an entry in ClinVar:

NM_138420.4(AHNAK2):c.9788C>T (p.Thr3263Met)

Gene: AHNAK2 (AHNAK nucleoprotein 2; minus strand). Cytogenetic location: 14q32.33.
Variant type: single nucleotide variant.
Coding change: c.9788C>T on transcript NM_138420.4 (MANE Select); coding-DNA position 9788, C replaced by T.
Protein change: p.Thr3263Met; replaces threonine 3263 with methionine.
Molecular consequence: missense variant.
Genome position (GRCh38, 1-based): chr14:104,945,663, G>A on the plus strand (C>T on the coding strand, the complement: AHNAK2 is on the minus strand). VCF-style: chr14-104945663-G-A. GRCh37 (hg19) VCF-style: chr14-105412000-G-A.
Other names: c.9488C>T, p.Thr3163Met (NM_001350929.2); short protein forms T3163M, T3263M.
Identifiers: ClinVar variation 4083969 (VCV004083969.8).
Genomic context (GRCh38, chr14:104,945,663, plus strand): 5'-GCTCCTGGGGCCTCGACGTCCACCTCCATGCTGGGCTGAGACACCTCCACGTCGGGGGCC[G>A]TCACATCCATCTTCGGGCCTTTCAGGTCCAGCTTGGGGCCCTTGATGTCTATCTGGGGGC-3'
Protein context (NP_612429.2, residues 3253-3273): LDLKGPKMDV[Thr3263Met]APDVEVSQPS

ClinVar aggregate classification (germline): Likely benign (1 of 4 stars; one submission).

gnomAD v4.1: 312 of 1,581,308 alleles (0.02%); highest among the groups gnomAD compares: African/African-American, 0.026%; 13 homozygotes.

Submission:

CeGaT Center for Human Genetics Tuebingen
Classification: Likely benign. Last evaluated: 2025-07-01. Review status: criteria provided, single submitter. Criteria: CeGaT Center For Human Genetics Tuebingen Variant Classification Criteria Version 2. Collection method: clinical testing. Allele origin: germline. Affected: yes. Observed: 1 variant allele.
Comment: AHNAK2: BP4, BS2